The following is an entry in ClinVar:

NM_021930.6(RINT1):c.1048T>C (p.Phe350Leu)

Gene: RINT1 (RAD50 interactor 1; plus strand). Cytogenetic location: 7q22.3.
Variant type: single nucleotide variant.
Coding change: c.1048T>C on transcript NM_021930.6 (MANE Select); coding-DNA position 1048, T replaced by C.
Protein change: p.Phe350Leu; replaces phenylalanine 350 with leucine.
Molecular consequence: missense variant. On other transcripts: non-coding transcript variant (1).
Genome position (GRCh38, 1-based): chr7:105,550,106, T>C. VCF-style: chr7-105550106-T-C. GRCh37 (hg19) VCF-style: chr7-105190553-T-C.
Other names: c.1048T>C (NM_021930.4); c.814T>C, p.Phe272Leu (NM_001346599.2); c.25T>C, p.Phe9Leu (NM_001346600.2, NM_001346603.2); c.124T>C, p.Phe42Leu (NM_001346601.2); short protein forms F272L, F350L, F9L, F42L.
Identifiers: ClinVar variation 2201076 (VCV002201076.5), dbSNP rs1790861219, ClinGen allele CA368808384.

ClinVar aggregate classification (germline): Uncertain significance. Review status: criteria provided, multiple submitters, no conflicts (2 of 4 stars). 2 submissions from 2 submitters: Uncertain significance (2). Last evaluated 2025-11-29.

Allele frequency attached by ClinVar (database versions not stated): gnomAD exomes below 0.00001; TOPMed below 0.00001.

Submissions (2):

Ambry Genetics
Classification: Uncertain significance. Last evaluated: 2025-11-29. Review status: criteria provided, single submitter. Criteria: Ambry Variant Classification Scheme 2023. Collection method: clinical testing. Allele origin: germline.
Comment: The p.F350L variant (also known as c.1048T>C), located in coding exon 8 of the RINT1 gene, results from a T to C substitution at nucleotide position 1048. The phenylalanine at codon 350 is replaced by leucine, an amino acid with highly similar properties. This amino acid position is conserved. In addition, the in silico prediction for this alteration is inconclusive. Based on the available evidence, the clinical significance of this variant remains unclear.

Labcorp Genetics (formerly Invitae), Labcorp
Classification: Uncertain significance. Last evaluated: 2022-09-04. Review status: criteria provided, single submitter. Criteria: Invitae Variant Classification Sherloc (09022015). Collection method: clinical testing. Allele origin: germline.
Comment: This sequence change replaces phenylalanine, which is neutral and non-polar, with leucine, which is neutral and non-polar, at codon 350 of the RINT1 protein (p.Phe350Leu). In summary, the available evidence is currently insufficient to determine the role of this variant in disease. Therefore, it has been classified as a Variant of Uncertain Significance. Algorithms developed to predict the effect of missense changes on protein structure and function are either unavailable or do not agree on the potential impact of this missense change (SIFT: "Deleterious"; PolyPhen-2: "Probably Damaging"; Align-GVGD: "Class C0"). This variant has not been reported in the literature in individuals affected with RINT1-related conditions. This variant is not present in population databases (gnomAD no frequency).